The following is an entry in ClinVar:

NM_213599.3(ANO5):c.1333-5T>A

Gene: ANO5 (anoctamin 5; plus strand). Cytogenetic location: 11p14.3.
Variant type: single nucleotide variant.
Coding change: c.1333-5T>A on transcript NM_213599.3 (MANE Select); 5 bases into the intron before coding-DNA position 1333, T replaced by A.
Molecular consequence: intron variant.
Genome position (GRCh38, 1-based): chr11:22,257,675, T>A. VCF-style: chr11-22257675-T-A. GRCh37 (hg19) VCF-style: chr11-22279221-T-A.
Other names: c.1330-5T>A (NM_001142649.2).
Identifiers: ClinVar variation 2195156 (VCV002195156.4), dbSNP rs1854047034, ClinGen allele CA1957417882.

ClinVar aggregate classification (germline): Uncertain significance (1 of 4 stars; one submission).

Conditions:
Gnathodiaphyseal dysplasia (GDD). Also called: GNATHODIAPHYSEAL SCLEROSIS; OSTEOGENESIS IMPERFECTA WITH UNUSUAL SKELETAL LESIONS. Identifiers: Orphanet 53697, MedGen C1833736, MONDO:0008151, OMIM 166260.
Autosomal recessive limb-girdle muscular dystrophy type 2L (LGMDR12). Also called: Limb-girdle muscular dystrophy, type 2L; Limb-Girdle Muscular Dystrophy R12 Anoctamin-5-Related (LGMD-R12); MUSCULAR DYSTROPHY, LIMB-GIRDLE, AUTOSOMAL RECESSIVE 12. Identifiers: Orphanet 206549, MedGen C1969785, MONDO:0012652, OMIM 611307.

Allele frequency attached by ClinVar (database versions not stated): TOPMed below 0.00001.

Submission:

Labcorp Genetics (formerly Invitae), Labcorp
Classification: Uncertain significance for Autosomal recessive limb-girdle muscular dystrophy type 2L; Gnathodiaphyseal dysplasia. Last evaluated: 2025-03-17. Review status: criteria provided, single submitter. Criteria: Invitae Variant Classification Sherloc (09022015). Collection method: clinical testing. Allele origin: germline.
Comment: This sequence change falls in intron 13 of the ANO5 gene. It does not directly change the encoded amino acid sequence of the ANO5 protein. This variant is not present in population databases (gnomAD no frequency). This variant has not been reported in the literature in individuals affected with ANO5-related conditions. ClinVar contains an entry for this variant (Variation ID: 2195156). Algorithms developed to predict the effect of sequence changes on RNA splicing suggest that this variant may disrupt the consensus splice site. In summary, the available evidence is currently insufficient to determine the role of this variant in disease. Therefore, it has been classified as a Variant of Uncertain Significance.